The following is an entry in ClinVar:

ClinVar aggregate classification (germline): Uncertain significance (1 of 4 stars; one submission).

Conditions:
Norman-Roberts syndrome (LIS2). Also called: Lissencephaly 2 (Norman-Roberts type). Identifiers: Orphanet 89844, MedGen C0796089, MONDO:0009760, OMIM 257320.
Familial temporal lobe epilepsy 7. Identifiers: Orphanet 101046, MedGen C4225327, MONDO:0014639, OMIM 616436.

gnomAD v4.1: 7 of 1,602,260 alleles (0.00044%); highest among the groups gnomAD compares: African/African-American, 0.0027%; no homozygotes.

Submission:

Labcorp Genetics (formerly Invitae), Labcorp
Classification: Uncertain significance for Familial temporal lobe epilepsy 7; Norman-Roberts syndrome. Last evaluated: 2023-01-22. Review status: criteria provided, single submitter. Criteria: Invitae Variant Classification Sherloc (09022015). Collection method: clinical testing. Allele origin: germline.
Comment: This sequence change falls in intron 36 of the RELN gene. It does not directly change the encoded amino acid sequence of the RELN protein. This variant is not present in population databases (gnomAD no frequency). This variant has not been reported in the literature in individuals affected with RELN-related conditions. Algorithms developed to predict the effect of sequence changes on RNA splicing suggest that this variant may create or strengthen a splice site. In summary, the available evidence is currently insufficient to determine the role of this variant in disease. Therefore, it has been classified as a Variant of Uncertain Significance.

NM_005045.4(RELN):c.5529+10A>C

Gene: RELN (reelin; minus strand). Cytogenetic location: 7q22.1.
Variant type: single nucleotide variant.
Coding change: c.5529+10A>C on transcript NM_005045.4 (MANE Select); 10 bases into the intron after coding-DNA position 5529, A replaced by C.
Molecular consequence: intron variant.
Genome position (GRCh38, 1-based): chr7:103,561,522, T>G on the plus strand (A>C on the coding strand, the complement: RELN is on the minus strand). VCF-style: chr7-103561522-T-G. GRCh37 (hg19) VCF-style: chr7-103201969-T-G.
Other names: c.5529+10A>C (NM_173054.3).
Identifiers: ClinVar variation 2077334 (VCV002077334.4), dbSNP rs371510474, ClinGen allele CA163910075.